The following is an entry in ClinVar:

NM_002901.4(RCN1):c.693T>C (p.Asp231=)

Gene: RCN1 (reticulocalbin 1; plus strand). Cytogenetic location: 11p13.
Variant type: single nucleotide variant.
Coding change: c.693T>C on transcript NM_002901.4 (MANE Select); coding-DNA position 693, T replaced by C.
Protein change: p.Asp231=; no amino-acid change (aspartic acid 231 retained).
Molecular consequence: synonymous variant.
Genome position (GRCh38, 1-based): chr11:32,103,285, T>C. VCF-style: chr11-32103285-T-C. GRCh37 (hg19) VCF-style: chr11-32124831-T-C.
Identifiers: ClinVar variation 4823131 (VCV004823131.4).

ClinVar aggregate classification (germline): Likely benign (1 of 4 stars; one submission).

Submission:

CeGaT Center for Human Genetics Tuebingen
Classification: Likely benign. Last evaluated: 2026-01-01. Review status: criteria provided, single submitter. Criteria: CeGaT Center For Human Genetics Tuebingen Variant Classification Criteria Version 2. Collection method: clinical testing. Allele origin: germline. Affected: yes. Observed: 1 variant allele.
Comment: RCN1: PM2:Supporting, BP4, BP7